The following is an entry in ClinVar:

NM_058216.3(RAD51C):c.404G>T (p.Cys135Phe)

Gene: RAD51C (RAD51 paralog C; plus strand). Cytogenetic location: 17q22.
Variant type: single nucleotide variant.
Coding change: c.404G>T on transcript NM_058216.3 (MANE Select); coding-DNA position 404, G replaced by T.
Protein change: p.Cys135Phe; replaces cysteine 135 with phenylalanine.
Molecular consequence: missense variant. On other transcripts: non-coding transcript variant (2).
Genome position (GRCh38, 1-based): chr17:58,695,189, G>T. VCF-style: chr17-58695189-G-T. GRCh37 (hg19) VCF-style: chr17-56772550-G-T.
Other names: c.404G>T, p.Trp135Leu (NM_002876.4); short protein forms C135F, W135L.
Identifiers: ClinVar variation 942269 (VCV000942269.11), dbSNP rs767796996, ClinGen allele CA400342162.

ClinVar aggregate classification (germline): Pathogenic/Likely pathogenic. Review status: criteria provided, multiple submitters, no conflicts (2 of 4 stars). 3 submissions from 3 submitters: Pathogenic (1); Likely pathogenic (2). Last evaluated 2026-06-18.

Conditions:
Hereditary cancer-predisposing syndrome. Also called: Neoplastic Syndromes, Hereditary; Hereditary Cancer Syndrome; Tumor predisposition; Hereditary neoplastic syndrome. Identifiers: Orphanet 140162, MedGen C0027672, MeSH D009386, MONDO:0015356.
Fanconi anemia complementation group O. Also called: RAD51C-Related Fanconi Anemia. Identifiers: Orphanet 84, MedGen C3150653, MONDO:0013248, OMIM 613390.
Breast-ovarian cancer, familial, susceptibility to, 3. Also called: RAD51C-Related Breast/Ovarian Cancer. Identifiers: Orphanet 145, MedGen C3150659, MONDO:0013253, OMIM 613399.

Submissions (3):

Ambry Genetics
Classification: Pathogenic for Hereditary cancer-predisposing syndrome. Last evaluated: 2026-06-18. Review status: criteria provided, single submitter. Criteria: Ambry Variant Classification Scheme 2023. Collection method: clinical testing. Allele origin: germline.
Comment: The c.404G>T pathogenic mutation, located in coding exon 2 of the RAD51C gene, results from a G to T substitution at nucleotide position 404. This change occurs in the last base pair of coding exon 2, which makes it likely to have some effect on normal mRNA splicing. RT-PCR analysis followed by Sanger sequencing confirmed that this alteration disrupts normal splicing at the donor site of exon 2 leading to missense substitution followed by immediately by a stop codon (p.Cys135Leufs*2) (Neidhardt G et al. Eur. J. Cancer Prev. 2017 Mar;26:165-169). Two additional alterations have been identified in breast and ovarian families at this position, one of which was also confirmed to disrupt mRNA splicing leading to a truncated protein (Neidhardt G et al. Eur. J. Cancer Prev. 2017 Mar;26:165-169; Osorio A et al. Hum. Mol. Genet. 2012 Jul;21:2889-98). In a homology-directed DNA repair (HDR) assay, this alteration showed a functionally abnormal read-out (Olvera-Le&oacute;n R et al. Cell 2024 Oct;187(20):5719-5734.e19). In addition to the data presented in the literature, this alteration is expected to cause aberrant splicing, resulting in an abnormal protein or a transcript that is subject to nonsense-mediated mRNA decay; however, direct evidence is insufficient at this time (Ambry internal data). As such, this alteration is classified as a disease-causing mutation.

Myriad Genetics, Inc.
Classification: Likely pathogenic for Breast-ovarian cancer, familial, susceptibility to, 3. Last evaluated: 2024-01-02. Review status: criteria provided, single submitter. Criteria: Myriad Autosomal Dominant, Autosomal Recessive and X-Linked Classification Criteria (2023). Collection method: clinical testing. Allele origin: unknown.
Comment: This variant is considered likely pathogenic. mRNA analysis has demonstrated abnormal mRNA splicing occurs [PMID: 27622768].

Labcorp Genetics (formerly Invitae), Labcorp
Classification: Likely pathogenic for Fanconi anemia complementation group O. Last evaluated: 2019-06-18. Review status: criteria provided, single submitter. Criteria: Invitae Variant Classification Sherloc (09022015). Collection method: clinical testing. Allele origin: germline.
Comment: Algorithms developed to predict the effect of missense changes on protein structure and function are either unavailable or do not agree on the potential impact of this missense change (SIFT: "Deleterious"; PolyPhen-2: "Probably Damaging"; Align-GVGD: "Class C0"). This variant has been observed in an individual affected with ovarian cancer (PMID: 27622768). This variant is not present in population databases (ExAC no frequency). This sequence change replaces cysteine with phenylalanine at codon 135 of the RAD51C protein (p.Cys135Phe). The cysteine residue is highly conserved and there is a large physicochemical difference between cysteine and phenylalanine. This variant also falls at the last nucleotide of exon 2 of the RAD51C coding sequence, which is part of the consensus splice site for this exon. Nucleotide substitutions within the consensus splice site are a relatively common cause of aberrant splicing (PMID: 17576681, 9536098). Experimental studies have shown that this variant disrupts mRNA splicing (PMID: 27622768). In summary, the currently available evidence indicates that the variant is pathogenic, but additional data are needed to prove that conclusively. Therefore, this variant has been classified as Likely Pathogenic. This variant disrupts the c.404G nucleotide in the RAD51C gene. Other variant(s) that disrupt this nucleotide have been determined to be pathogenic (PMID: 22451500, 29409816, 22451500, 27622768). This suggests that this nucleotide is clinically-significant, and that variants that disrupt this position are likely to be disease-causing.

Literature cited by the submitters: PubMed 27622768 (cited by 3 submitters); PubMed 17576681 (cited by Labcorp Genetics (formerly Invitae), Labcorp); PubMed 9536098 (cited by Labcorp Genetics (formerly Invitae), Labcorp); PubMed 22451500 (cited by Labcorp Genetics (formerly Invitae), Labcorp); PubMed 29409816 (cited by Labcorp Genetics (formerly Invitae), Labcorp).